The following is an entry in ClinVar:

ClinVar aggregate classification (germline): Uncertain significance (1 of 4 stars; one submission).

Conditions:
Epidermolysis bullosa simplex, Ogna type (EBS5A). Also called: Pidermolysis bullosa simplex 5A, Ogna type; EPIDERMOLYSIS BULLOSA SIMPLEX 5A, OGNA TYPE. Identifiers: Orphanet 79401, MedGen C0432317, MONDO:0007555, OMIM 131950.
Epidermolysis bullosa simplex 5C, with pyloric atresia (EBS5C). Also called: Epidermolysis bullosa simplex with pyloric atresia; PLEC-Related Epidermolysis Bullosa with Pyloric Atresia; PLEC1-Related Epidermolysis Bullosa with Pyloric Atresia. Identifiers: Orphanet 158684, MedGen C2677349, MONDO:0012807, OMIM 612138.
Epidermolysis bullosa simplex with nail dystrophy (EBS5D). Identifiers: MedGen C4225309, MONDO:0014661, OMIM 616487.
Epidermolysis bullosa simplex 5B, with muscular dystrophy (EBS5B). Also called: EPIDERMOLYSIS BULLOSA SIMPLEX AND LIMB-GIRDLE MUSCULAR DYSTROPHY; Epidermolysis bullosa simplex with muscular dystrophy. Identifiers: Orphanet 257, MedGen C2931072, MONDO:0009181, OMIM 226670.
Autosomal recessive limb-girdle muscular dystrophy type 2Q (LGMDR17). Also called: MUSCULAR DYSTROPHY, LIMB-GIRDLE, AUTOSOMAL RECESSIVE 17. Identifiers: Orphanet 254361, MedGen C3150989, MONDO:0013390, OMIM 613723.

gnomAD v4.1: 1 of 1,612,386 alleles (0.000062%); no homozygotes.

Submission:

Labcorp Genetics (formerly Invitae), Labcorp
Classification: Uncertain significance for Autosomal recessive limb-girdle muscular dystrophy type 2Q; Epidermolysis bullosa simplex, Ogna type; Epidermolysis bullosa simplex with nail dystrophy; Epidermolysis bullosa simplex 5C, with pyloric atresia; Epidermolysis bullosa simplex 5B, with muscular dystrophy. Last evaluated: 2018-11-08. Review status: criteria provided, single submitter. Criteria: Invitae Variant Classification Sherloc (09022015). Collection method: clinical testing. Allele origin: germline.
Comment: In summary, the available evidence is currently insufficient to determine the role of this variant in disease. Therefore, it has been classified as a Variant of Uncertain Significance. Algorithms developed to predict the effect of missense changes on protein structure and function (SIFT, PolyPhen-2, Align-GVGD) all suggest that this variant is likely to be disruptive, but these predictions have not been confirmed by published functional studies and their clinical significance is uncertain. This variant has not been reported in the literature in individuals with PLEC-related disease. This variant is not present in population databases (ExAC no frequency). This sequence change replaces threonine with isoleucine at codon 548 of the PLEC protein (p.Thr548Ile). The threonine residue is highly conserved and there is a moderate physicochemical difference between threonine and isoleucine.

NM_201384.3(PLEC):c.1562C>T (p.Thr521Ile)

Gene: PLEC (plectin; minus strand). Cytogenetic location: 8q24.3.
Variant type: single nucleotide variant.
Coding change: c.1562C>T on transcript NM_201384.3 (MANE Select); coding-DNA position 1562, C replaced by T.
Protein change: p.Thr521Ile; replaces threonine 521 with isoleucine.
Molecular consequence: missense variant.
Genome position (GRCh38, 1-based): chr8:143,932,968, G>A on the plus strand (C>T on the coding strand, the complement: PLEC is on the minus strand). VCF-style: chr8-143932968-G-A. GRCh37 (hg19) VCF-style: chr8-145007136-G-A.
Other names: c.1643C>T, p.Thr548Ile (NM_000445.5); c.1520C>T, p.Thr507Ile (NM_201378.4); c.1496C>T, p.Thr499Ile (NM_201379.3); c.1973C>T, p.Thr658Ile (NM_201380.4); c.1466C>T, p.Thr489Ile (NM_201381.3); c.1562C>T, p.Thr521Ile (NM_201382.4); c.1574C>T, p.Thr525Ile (NM_201383.3); short protein forms T521I, T499I, T507I, T525I, T548I, T658I, T489I.
Identifiers: ClinVar variation 647121 (VCV000647121.6), dbSNP rs1587097419, ClinGen allele CA372580975.
Genomic context (GRCh38, chr8:143,932,968, plus strand): 5'-CCATCCACACGGTGCTGGTTCTCCTCCACCCAGGCCAGCAGGTCCTGCAGGTAGCGCAGA[G>A]TGGAGTCCTCCAGCTCGGGGCGCCTCTGCACACTCTGCAGAGTCACCTGGGCCACCTGGG-3'
Protein context (NP_958786.1, residues 511-531): VQRRPELEDS[Thr521Ile]LRYLQDLLAW